The following is an entry in ClinVar:

NM_006231.4(POLE):c.3832A>C (p.Lys1278Gln)

Gene: POLE (DNA polymerase epsilon, catalytic subunit; minus strand). Cytogenetic location: 12q24.33.
Variant type: single nucleotide variant.
Coding change: c.3832A>C on transcript NM_006231.4 (MANE Select); coding-DNA position 3832, A replaced by C.
Protein change: p.Lys1278Gln; replaces lysine 1278 with glutamine.
Molecular consequence: missense variant.
Genome position (GRCh38, 1-based): chr12:132,649,479, T>G on the plus strand (A>C on the coding strand, the complement: POLE is on the minus strand). VCF-style: chr12-132649479-T-G. GRCh37 (hg19) VCF-style: chr12-133226065-T-G.
Other names: short protein forms K1278Q.
Identifiers: ClinVar variation 1354720 (VCV001354720.9), dbSNP rs2138609632, ClinGen allele CA387385535.
Genomic context (GRCh38, chr12:132,649,479, plus strand): 5'-CCGACTCCAGACGCTGCCTCTTCCTGCGGGCGAGGCGCTGCCGGGCCTGCAGCTGCCACT[T>G]CTTCTTGTGGAACCGGAGCCAGACAAGCCATTCCTCCTGGGATGGATGGTGAGCACAGCC-3'
Protein context (NP_006222.2, residues 1268-1288): WLVWLRFHKK[Lys1278Gln]WQLQARQRLA

ClinVar aggregate classification (germline): Uncertain significance. Review status: criteria provided, multiple submitters, no conflicts (2 of 4 stars). 2 submissions from 2 submitters: Uncertain significance (2). Last evaluated 2024-08-05.

Conditions:
Hereditary cancer-predisposing syndrome. Also called: Neoplastic Syndromes, Hereditary; Tumor predisposition; Hereditary neoplastic syndrome; Hereditary Cancer Syndrome. Identifiers: Orphanet 140162, MedGen C0027672, MeSH D009386, MONDO:0015356.

Submissions (2):

Ambry Genetics
Classification: Uncertain significance for Hereditary cancer-predisposing syndrome. Last evaluated: 2024-08-05. Review status: criteria provided, single submitter. Criteria: Ambry Variant Classification Scheme 2023. Collection method: clinical testing. Allele origin: germline.
Comment: The p.K1278Q variant (also known as c.3832A>C), located in coding exon 31 of the POLE gene, results from an A to C substitution at nucleotide position 3832. The lysine at codon 1278 is replaced by glutamine, an amino acid with similar properties. This amino acid position is conserved. In addition, the in silico prediction for this alteration is inconclusive. Since supporting evidence is limited at this time, the clinical significance of this alteration remains unclear.

Labcorp Genetics (formerly Invitae), Labcorp
Classification: Uncertain significance. Last evaluated: 2021-12-04. Review status: criteria provided, single submitter. Criteria: Invitae Variant Classification Sherloc (09022015). Collection method: clinical testing. Allele origin: germline.
Comment: In summary, the available evidence is currently insufficient to determine the role of this variant in disease. Therefore, it has been classified as a Variant of Uncertain Significance. Algorithms developed to predict the effect of missense changes on protein structure and function (SIFT, PolyPhen-2, Align-GVGD) all suggest that this variant is likely to be disruptive. This variant has not been reported in the literature in individuals affected with POLE-related conditions. This variant is not present in population databases (gnomAD no frequency). This sequence change replaces lysine, which is basic and polar, with glutamine, which is neutral and polar, at codon 1278 of the POLE protein (p.Lys1278Gln).